The following is an entry in ClinVar:

NM_033026.6(PCLO):c.11857C>A (p.Pro3953Thr)

Gene: PCLO (piccolo presynaptic cytomatrix protein; minus strand). Cytogenetic location: 7q21.11.
Variant type: single nucleotide variant.
Coding change: c.11857C>A on transcript NM_033026.6 (MANE Select); coding-DNA position 11857, C replaced by A.
Protein change: p.Pro3953Thr; replaces proline 3953 with threonine.
Molecular consequence: missense variant.
Genome position (GRCh38, 1-based): chr7:82,916,129, G>T on the plus strand (C>A on the coding strand, the complement: PCLO is on the minus strand). VCF-style: chr7-82916129-G-T. GRCh37 (hg19) VCF-style: chr7-82545445-G-T.
Other names: c.11857C>A, p.Pro3953Thr (NM_014510.3); short protein forms P3953T.
Identifiers: ClinVar variation 1999829 (VCV001999829.4), dbSNP rs1260065967, ClinGen allele CA367892784.

ClinVar aggregate classification (germline): Uncertain significance (1 of 4 stars; one submission).

Allele frequency attached by ClinVar (database versions not stated): gnomAD 0.00001.
gnomAD v4.1: 2 of 1,613,500 alleles (0.00012%); highest among the groups gnomAD compares: Non-Finnish European, 0.000085%; no homozygotes.

Submission:

Labcorp Genetics (formerly Invitae), Labcorp
Classification: Uncertain significance. Last evaluated: 2022-05-28. Review status: criteria provided, single submitter. Criteria: Invitae Variant Classification Sherloc (09022015). Collection method: clinical testing. Allele origin: germline.
Comment: In summary, the available evidence is currently insufficient to determine the role of this variant in disease. Therefore, it has been classified as a Variant of Uncertain Significance. Algorithms developed to predict the effect of missense changes on protein structure and function are either unavailable or do not agree on the potential impact of this missense change (SIFT: "Deleterious"; PolyPhen-2: "Not Available"; Align-GVGD: "Class C0"). This variant has not been reported in the literature in individuals affected with PCLO-related conditions. This variant is present in population databases (no rsID available, gnomAD 0.007%). This sequence change replaces proline, which is neutral and non-polar, with threonine, which is neutral and polar, at codon 3953 of the PCLO protein (p.Pro3953Thr).